The following is an entry in ClinVar:

NM_080605.4(B3GALT6):c.638C>T (p.Ala213Val)

Gene: B3GALT6 (beta-1,3-galactosyltransferase 6; plus strand). Cytogenetic location: 1p36.33.
Variant type: single nucleotide variant.
Coding change: c.638C>T on transcript NM_080605.4 (MANE Select); coding-DNA position 638, C replaced by T.
Protein change: p.Ala213Val; replaces alanine 213 with valine.
Molecular consequence: missense variant.
Genome position (GRCh38, 1-based): chr1:1,232,916, C>T. VCF-style: chr1-1232916-C-T. GRCh37 (hg19) VCF-style: chr1-1168296-C-T.
Other names: short protein forms A213V.
Identifiers: ClinVar variation 4849104 (VCV004849104.1).

ClinVar aggregate classification (germline): Uncertain significance (1 of 4 stars; one submission).

gnomAD v4.1: 5 of 1,567,794 alleles (0.00032%); highest among the groups gnomAD compares: Middle Eastern, 0.022%; no homozygotes.

Submission:

Women's Health and Genetics/Laboratory Corporation of America, LabCorp
Classification: Uncertain significance. Last evaluated: 2026-04-24. Review status: criteria provided, single submitter. Criteria: LabCorp Variant Classification Summary - May 2015. Collection method: clinical testing. Allele origin: germline.
Comment: Variant summary: B3GALT6 c.638C>T (p.Ala213Val) results in a non-conservative amino acid change in the encoded protein sequence. Algorithms developed to predict the effect of missense changes on protein structure and function are either unavailable or do not agree on the potential impact of this missense change. The frequency data for this variant in gnomAD is considered unreliable, as metrics indicate poor data quality at this position. To our knowledge, no occurrence of c.638C>T in individuals affected with B3GALT6-related conditions and no experimental evidence demonstrating its impact on protein function have been reported. No submitters have cited clinical-significance assessments for this variant to ClinVar. Based on the evidence outlined above, the variant was classified as uncertain significance.